The following is an entry in ClinVar:

ClinVar aggregate classification (germline): Uncertain significance. Review status: criteria provided, multiple submitters, no conflicts (2 of 4 stars). 3 submissions from 3 submitters: Uncertain significance (2). 1 of the submissions does not count toward it. Last evaluated 2025-01-22.

Conditions:
Autosomal dominant nonsyndromic hearing loss 2A. Also called: Autosomal dominant nonsyndromic deafness 2A; DFNA2 Nonsyndromic Hearing Loss; Deafness, autosomal dominant 2A. Identifiers: Orphanet 90635, MedGen C2677637, MONDO:0010817, OMIM 600101.

Allele frequency attached by ClinVar (database versions not stated): gnomAD 0.00001; TOPMed 0.00001; gnomAD exomes 0.00002; ExAC 0.00002.
gnomAD v4.1: 18 of 1,614,056 alleles (0.0011%); highest among the groups gnomAD compares: East Asian, 0.013%; no homozygotes.

Submissions (3):

GeneDx
Classification: Uncertain significance. Last evaluated: 2025-01-22. Review status: criteria provided, single submitter. Criteria: GeneDx Variant Classification Process June 2021. Collection method: clinical testing. Allele origin: germline. Affected: yes.
Comment: Reported in a family with sensorineural hearing loss (PMID: 23451214); Functional and electrophysiological assays suggest that this variant does not alter the channel function (PMID: 31995783); In silico analysis supports that this missense variant has a deleterious effect on protein structure/function; This variant is associated with the following publications: (PMID: 37371710, 36140355, 35816303, 31995783, 23451214, 31434872)

Labcorp Genetics (formerly Invitae), Labcorp
Classification: Uncertain significance. Last evaluated: 2023-04-14. Review status: criteria provided, single submitter. Criteria: Invitae Variant Classification Sherloc (09022015). Collection method: clinical testing. Allele origin: germline.
Comment: This sequence change replaces serine, which is neutral and polar, with phenylalanine, which is neutral and non-polar, at codon 680 of the KCNQ4 protein (p.Ser680Phe). This variant is present in population databases (rs772135867, gnomAD 0.02%). This missense change has been observed in individual(s) with autosomal dominant deafness (PMID: 23451214). It has also been observed to segregate with disease in related individuals. This variant is also known as c.1877C>T. ClinVar contains an entry for this variant (Variation ID: 208373). Advanced modeling of protein sequence and biophysical properties (such as structural, functional, and spatial information, amino acid conservation, physicochemical variation, residue mobility, and thermodynamic stability) performed at Invitae indicates that this missense variant is not expected to disrupt KCNQ4 protein function. Experimental studies have shown that this missense change does not substantially affect KCNQ4 function (PMID: 31995783). In summary, the available evidence is currently insufficient to determine the role of this variant in disease. Therefore, it has been classified as a Variant of Uncertain Significance.

ClinVar Staff, National Center for Biotechnology Information (NCBI)
Classification: Pathogenic for Autosomal dominant nonsyndromic hearing loss 2A. Last evaluated: 2015-08-20. Review status: no assertion criteria provided. Collection method: literature only. Allele origin: germline. Affected: yes. Not counted in ClinVar's aggregate classification.
Comment: This variant used to be reported in GeneReviews NBK1209.

Literature cited by the submitters: PubMed 23451214 (cited by Labcorp Genetics (formerly Invitae), Labcorp); PubMed 31995783 (cited by Labcorp Genetics (formerly Invitae), Labcorp); PubMed 26036578 (cited by ClinVar Staff, National Center for Biotechnology Information (NCBI)); PubMed 20301388 (cited by ClinVar Staff, National Center for Biotechnology Information (NCBI)).

NM_004700.4(KCNQ4):c.2039C>T (p.Ser680Phe)

Gene: KCNQ4 (potassium voltage-gated channel subfamily Q member 4; plus strand). Cytogenetic location: 1p34.2.
Variant type: single nucleotide variant.
Coding change: c.2039C>T on transcript NM_004700.4 (MANE Select); coding-DNA position 2039, C replaced by T.
Protein change: p.Ser680Phe; replaces serine 680 with phenylalanine.
Molecular consequence: missense variant.
Genome position (GRCh38, 1-based): chr1:40,838,474, C>T. VCF-style: chr1-40838474-C-T. GRCh37 (hg19) VCF-style: chr1-41304146-C-T.
Other names: c.2039C>T (NM_004700.3); c.1877C>T, p.Ser626Phe (NM_172163.3); short protein forms S680F, S626F.
Identifiers: ClinVar variation 208373 (VCV000208373.7), dbSNP rs772135867, ClinGen allele CA347366.
Genomic context (GRCh38, chr1:40,838,474, plus strand): 5'-TCGACCCCGACATCACCTCCGACTACCACAGCCCTGTGGACCACGAGGACATCTCCGTCT[C>T]CGCACAGACGCTCAGCATCTCCCGCTCGGTCAGCACCAACATGGACTGAGGGACTTCTCA-3'
Protein context (NP_004691.2, residues 670-690): SPVDHEDISV[Ser680Phe]AQTLSISRSV